The following is an entry in ClinVar:

NM_000052.7(ATP7A):c.1605del (p.Val536fs)

Gene: ATP7A (ATPase copper transporting alpha; plus strand). Cytogenetic location: Xq21.1.
Variant type: Deletion.
Coding change: c.1605del on transcript NM_000052.7 (MANE Select); coding-DNA position 1605, one base deleted (T; older notation c.1605delT).
Protein change: p.Val536fs; shifts the reading frame from valine 536.
Molecular consequence: frameshift variant.
Genome position (GRCh38, 1-based): chrX:78,003,134, T deleted. VCF-style (leftmost placement, unchanged base first): chrX-78003133-CT-C. GRCh37 (hg19) VCF-style: chrX-77258630-CT-C.
Other names: c.1605del, p.Val536fs (NM_001282224.2); short protein forms V536fs.
Identifiers: ClinVar variation 1725593 (VCV001725593.3), dbSNP rs2522325537, ClinGen allele CA2580101433.

ClinVar aggregate classification (germline): Likely pathogenic (1 of 4 stars; one submission).

Conditions:
Menkes kinky-hair syndrome (MNK). Also called: Copper transport disease; Classic Menkes Disease; Menkes Disease. Identifiers: Orphanet 565, MedGen C0022716, MONDO:0010651, OMIM 309400.

Submission:

Myriad Genetics, Inc.
Classification: Likely pathogenic for Menkes kinky-hair syndrome. Last evaluated: 2022-03-30. Review status: criteria provided, single submitter. Criteria: Myriad Autosomal Dominant, Autosomal Recessive and X-Linked Classification Criteria (2023). Collection method: clinical testing. Allele origin: unknown.
Comment: NM_000052.5(ATP7A):c.1605delT(V536Lfs*6) is expected to be pathogenic in the context of ATP7A-related disorders. This variant is predicted to lead to an abnormal or absent protein product due to the creation of a premature termination codon in ATP7A, a gene where loss-of-function variants are known to be pathogenic. Please note: this variant was assessed in the context of healthy population screening.